The following is an entry in ClinVar:

NM_001853.4(COL9A3):c.1657A>G (p.Ile553Val)

Gene: COL9A3 (collagen type IX alpha 3 chain; plus strand). Cytogenetic location: 20q13.33.
Variant type: single nucleotide variant.
Coding change: c.1657A>G on transcript NM_001853.4 (MANE Select); coding-DNA position 1657, A replaced by G.
Protein change: p.Ile553Val; replaces isoleucine 553 with valine.
Molecular consequence: missense variant.
Genome position (GRCh38, 1-based): chr20:62,837,136, A>G. VCF-style: chr20-62837136-A-G. GRCh37 (hg19) VCF-style: chr20-61468488-A-G.
Other names: short protein forms I553V.
Identifiers: ClinVar variation 3004790 (VCV003004790.3), dbSNP rs749372066, ClinGen allele CA409599166.

ClinVar aggregate classification (germline): Uncertain significance (1 of 4 stars; one submission).

gnomAD v4.1: 1 of 1,613,386 alleles (0.000062%); highest among the groups gnomAD compares: African/African-American, 0.0013%; no homozygotes.

Submission:

Labcorp Genetics (formerly Invitae), Labcorp
Classification: Uncertain significance. Last evaluated: 2023-08-30. Review status: criteria provided, single submitter. Criteria: Invitae Variant Classification Sherloc (09022015). Collection method: clinical testing. Allele origin: germline.
Comment: In summary, the available evidence is currently insufficient to determine the role of this variant in disease. Therefore, it has been classified as a Variant of Uncertain Significance. Advanced modeling of protein sequence and biophysical properties (such as structural, functional, and spatial information, amino acid conservation, physicochemical variation, residue mobility, and thermodynamic stability) performed at Invitae indicates that this missense variant is not expected to disrupt COL9A3 protein function. This variant has not been reported in the literature in individuals affected with COL9A3-related conditions. This variant is not present in population databases (gnomAD no frequency). This sequence change replaces isoleucine, which is neutral and non-polar, with valine, which is neutral and non-polar, at codon 553 of the COL9A3 protein (p.Ile553Val).